The following is an entry in ClinVar:

ClinVar aggregate classification (germline): Uncertain significance (0 of 4 stars; one submission).

Conditions:
CEP290-related disorder. Also called: CEP290-related condition; CEP290-related disorders. Identifiers: MedGen CN239314.

Submission:

PreventionGenetics, part of Exact Sciences
Classification: Uncertain significance for CEP290-related condition. Last evaluated: 2024-01-11. Review status: no assertion criteria provided. Collection method: clinical testing. Allele origin: germline.
Comment: The CEP290 c.4271A>C variant is predicted to result in the amino acid substitution p.Gln1424Pro. To our knowledge, this variant has not been reported in the literature or in a large population database, indicating this variant is rare. At this time, the clinical significance of this variant is uncertain due to the absence of conclusive functional and genetic evidence.

NM_025114.4(CEP290):c.4271A>C (p.Gln1424Pro)

Gene: CEP290 (centrosomal protein 290; minus strand). Cytogenetic location: 12q21.32.
Variant type: single nucleotide variant.
Coding change: c.4271A>C on transcript NM_025114.4 (MANE Select); coding-DNA position 4271, A replaced by C.
Protein change: p.Gln1424Pro; replaces glutamine 1424 with proline.
Molecular consequence: missense variant.
Genome position (GRCh38, 1-based): chr12:88,086,422, T>G on the plus strand (A>C on the coding strand, the complement: CEP290 is on the minus strand). VCF-style: chr12-88086422-T-G. GRCh37 (hg19) VCF-style: chr12-88480199-T-G.
Other names: short protein forms Q1424P.
Identifiers: ClinVar variation 3060396 (VCV003060396.2), dbSNP rs1238040214, ClinGen allele CA385997261.
Genomic context (GRCh38, chr12:88,086,422, plus strand): 5'-GAGTAACAAACAAGATTAATCATTCATACCTTTTGTGCCGCATTTAGTATTTCATTTTGC[T>G]GACGGTCAAAAATGTCTAGTTGGCGTTCCAGGTCAACTTCTCTTTGATCCCAGGCCATTT-3'
Protein context (NP_079390.3, residues 1414-1434): LERQLDIFDR[Gln1424Pro]QNEILNAAQK